The following is an entry in ClinVar:

ClinVar aggregate classification (germline): Benign/Likely benign. Review status: criteria provided, multiple submitters, no conflicts (2 of 4 stars). 4 submissions from 4 submitters: Benign (1); Likely benign (3). Last evaluated 2026-02-01.

Allele frequency attached by ClinVar (database versions not stated): 1000 Genomes Project 30x 0.00281; 1000 Genomes Project 0.00319; TOPMed 0.00503; gnomAD 0.00528 and 0.00534; ESP Exome Variant Server 0.00569.
gnomAD v4.1: 13,335 of 1,614,148 alleles (0.83%); highest among the groups gnomAD compares: Non-Finnish European, 1%; 58 homozygotes.

Submissions (4):

CeGaT Center for Human Genetics Tuebingen
Classification: Benign. Last evaluated: 2026-02-01. Review status: criteria provided, single submitter. Criteria: CeGaT Center For Human Genetics Tuebingen Variant Classification Criteria Version 2. Collection method: clinical testing. Allele origin: germline. Affected: yes. Observed: 5 variant alleles.
Comment: SRRM2: BS1, BS2

Blueprint Genetics
Classification: Likely benign. Last evaluated: 2024-11-23. Review status: criteria provided, single submitter. Criteria: ACMG Guidelines, 2015. Collection method: clinical testing. Allele origin: germline.

Labcorp Genetics (formerly Invitae), Labcorp
Classification: Likely benign. Last evaluated: 2019-12-31. Review status: criteria provided, single submitter. Criteria: Invitae Variant Classification Sherloc (09022015). Collection method: clinical testing. Allele origin: germline.

Breakthrough Genomics
Classification: Likely benign. Review status: criteria provided, single submitter. Criteria: ACMG Guidelines, 2015. Collection method: not provided. Allele origin: germline. Inheritance: Unknown mechanism. Affected: yes.

NM_016333.4(SRRM2):c.4421C>T (p.Ser1474Phe)

Gene: SRRM2 (serine/arginine repetitive matrix 2; plus strand). Cytogenetic location: 16p13.3.
Variant type: single nucleotide variant.
Coding change: c.4421C>T on transcript NM_016333.4 (MANE Select); coding-DNA position 4421, C replaced by T.
Protein change: p.Ser1474Phe; replaces serine 1474 with phenylalanine.
Molecular consequence: missense variant.
Genome position (GRCh38, 1-based): chr16:2,764,949, C>T. VCF-style: chr16-2764949-C-T. GRCh37 (hg19) VCF-style: chr16-2814950-C-T.
Other names: short protein forms S1474F.
Identifiers: ClinVar variation 771914 (VCV000771914.30), dbSNP rs140421601, ClinGen allele CA7848176.